The following is an entry in ClinVar:

ClinVar aggregate classification (germline): Likely benign. Review status: criteria provided, multiple submitters, no conflicts (2 of 4 stars). 3 submissions from 3 submitters: Likely benign (3). Last evaluated 2026-01-16.

Conditions:
Congenital disorder of deglycosylation (CDDG). Identifiers: MedGen C3808991, MONDO:0031376.

Allele frequency attached by ClinVar (database versions not stated): gnomAD 0.00001 and 0.00004; gnomAD exomes 0.00011 and 0.00017; ExAC 0.00019; 1000 Genomes Project 30x 0.00031; 1000 Genomes Project 0.00040.
gnomAD v4.1: 162 of 1,613,934 alleles (0.01%); highest among the groups gnomAD compares: South Asian, 0.11%; 3 homozygotes.

Submissions (3):

Labcorp Genetics (formerly Invitae), Labcorp
Classification: Likely benign for Congenital disorder of deglycosylation. Last evaluated: 2026-01-16. Review status: criteria provided, single submitter. Criteria: Invitae Variant Classification Sherloc (09022015). Collection method: clinical testing. Allele origin: germline.

CeGaT Center for Human Genetics Tuebingen
Classification: Likely benign. Last evaluated: 2024-10-01. Review status: criteria provided, single submitter. Criteria: CeGaT Center For Human Genetics Tuebingen Variant Classification Criteria Version 2. Collection method: clinical testing. Allele origin: germline. Affected: yes. Observed: 2 variant alleles.
Comment: NGLY1: BP4, BP7

Blueprint Genetics
Classification: Likely benign. Last evaluated: 2024-09-27. Review status: criteria provided, single submitter. Criteria: ACMG Guidelines, 2015. Collection method: clinical testing. Allele origin: germline.

NM_018297.4(NGLY1):c.1740A>G (p.Thr580=)

Gene: NGLY1 (N-glycanase 1; minus strand). Cytogenetic location: 3p24.2.
Variant type: single nucleotide variant.
Coding change: c.1740A>G on transcript NM_018297.4 (MANE Select); coding-DNA position 1740, A replaced by G.
Protein change: p.Thr580=; no amino-acid change (threonine 580 retained).
Molecular consequence: synonymous variant. On other transcripts: intron variant (1).
Genome position (GRCh38, 1-based): chr3:25,720,063, T>C on the plus strand (A>G on the coding strand, the complement: NGLY1 is on the minus strand). VCF-style: chr3-25720063-T-C. GRCh37 (hg19) VCF-style: chr3-25761554-T-C.
Other names: c.1686A>G, p.Thr562= (NM_001145293.2); c.1614A>G, p.Thr538= (NM_001145294.2); c.1612-428A>G (NM_001145295.2).
Identifiers: ClinVar variation 474216 (VCV000474216.30), dbSNP rs554503189, ClinGen allele CA2289082.